The following is an entry in ClinVar:

NM_001329943.3(KIAA0586):c.4077del (p.Leu1360fs)

Gene: KIAA0586 (KIAA0586; plus strand). Cytogenetic location: 14q23.1.
Variant type: Deletion.
Coding change: c.4077del on transcript NM_001329943.3 (MANE Select); coding-DNA position 4077, one base deleted (T; older notation c.4077delT).
Protein change: p.Leu1360fs; shifts the reading frame from leucine 1360.
Molecular consequence: frameshift variant.
Genome position (GRCh38, 1-based): chr14:58,498,869, T deleted. VCF-style (leftmost placement, unchanged base first): chr14-58498868-CT-C. GRCh37 (hg19) VCF-style: chr14-58965586-CT-C.
Other names: c.4236del, p.Leu1413fs (NM_001244189.2); c.4032del, p.Leu1345fs (NM_001244190.2); c.3822del, p.Leu1275fs (NM_001244191.2, NM_001329945.2, NM_001364700.1 and 1 more transcripts); c.3945del, p.Leu1316fs (NM_001244192.2, NM_001329947.2); c.3657del, p.Leu1220fs (NM_001244193.2); c.4077del, p.Leu1360fs (NM_001329944.2, NM_001329946.2); c.3849del, p.Leu1284fs (NM_014749.5); short protein forms L1220fs, L1275fs, L1284fs, L1316fs, L1345fs, L1360fs, L1413fs.
Identifiers: ClinVar variation 2929969 (VCV002929969.3), dbSNP rs762932867, ClinGen allele CA7206312.

ClinVar aggregate classification (germline): Pathogenic (1 of 4 stars; one submission).

Conditions:
Short-rib thoracic dysplasia 14 with polydactyly (SRTD14). Identifiers: Orphanet 397715, MedGen C4225286, MONDO:0014688, OMIM 616546.
Joubert syndrome 23 (JBTS23). Identifiers: Orphanet 475, MedGen C4084822, MONDO:0014664, OMIM 616490.

Allele frequency attached by ClinVar (database versions not stated): gnomAD exomes below 0.00001 and 0.00001; TOPMed below 0.00001; ExAC 0.00001.

Submission:

Labcorp Genetics (formerly Invitae), Labcorp
Classification: Pathogenic for Joubert syndrome 23; Short-rib thoracic dysplasia 14 with polydactyly. Last evaluated: 2024-10-24. Review status: criteria provided, single submitter. Criteria: Invitae Variant Classification Sherloc (09022015). Collection method: clinical testing. Allele origin: germline.
Comment: This sequence change creates a premature translational stop signal (p.Leu1413Serfs*44) in the KIAA0586 gene. It is expected to result in an absent or disrupted protein product. Loss-of-function variants in KIAA0586 are known to be pathogenic (PMID: 26096313, 26166481, 26386044). This variant is present in population databases (rs762932867, gnomAD 0.0009%). This variant has not been reported in the literature in individuals affected with KIAA0586-related conditions. For these reasons, this variant has been classified as Pathogenic.

Literature cited by the submitters: PubMed 26096313; PubMed 26166481; PubMed 26386044.